The following is an entry in ClinVar:

ClinVar aggregate classification (germline): Uncertain significance. Review status: criteria provided, multiple submitters, no conflicts (2 of 4 stars). 3 submissions from 3 submitters: Uncertain significance (2). 1 of the submissions does not count toward it. Last evaluated 2025-03-26.

Conditions:
Danon disease. Also called: ANTOPOL DISEASE; PSEUDOGLYCOGENOSIS II; GSD IIb; LYSOSOMAL GLYCOGEN STORAGE DISEASE WITHOUT ACID MALTASE DEFICIENCY; Glycogen Storage Disease Type IIb. Identifiers: Orphanet 34587, MedGen C0878677, MONDO:0010281, OMIM 300257.

Submissions (3):

Labcorp Genetics (formerly Invitae), Labcorp
Classification: Uncertain significance for Danon disease. Last evaluated: 2025-03-26. Review status: criteria provided, single submitter. Criteria: Invitae Variant Classification Sherloc (09022015). Collection method: clinical testing. Allele origin: germline.
Comment: This sequence change replaces tryptophan, which is neutral and slightly polar, with arginine, which is basic and polar, at codon 321 of the LAMP2 protein (p.Trp321Arg). This variant is not present in population databases (gnomAD no frequency). This missense change has been observed in individual(s) with clincial features of Danon disease and/or Danon disease (PMID: 15907287). ClinVar contains an entry for this variant (Variation ID: 9983). Invitae Evidence Modeling of protein sequence and biophysical properties (such as structural, functional, and spatial information, amino acid conservation, physicochemical variation, residue mobility, and thermodynamic stability) indicates that this missense variant is expected to disrupt LAMP2 protein function with a positive predictive value of 80%. In summary, the available evidence is currently insufficient to determine the role of this variant in disease. Therefore, it has been classified as a Variant of Uncertain Significance.

Fulgent Genetics
Classification: Uncertain significance for Danon disease. Last evaluated: 2024-05-30. Review status: criteria provided, single submitter. Criteria: ACMG Guidelines, 2015. Collection method: clinical testing. Allele origin: germline.

OMIM
Classification: Pathogenic for DANON DISEASE. Last evaluated: 2005-06-01. Review status: no assertion criteria provided. Collection method: literature only. Allele origin: germline. Not counted in ClinVar's aggregate classification.

Literature cited by the submitters: PubMed 15907287 (cited by Labcorp Genetics (formerly Invitae), Labcorp and OMIM).

NM_002294.3(LAMP2):c.961T>C (p.Trp321Arg)

Gene: LAMP2 (lysosome associated membrane protein 2; minus strand). Cytogenetic location: Xq24.
Variant type: single nucleotide variant.
Coding change: c.961T>C on transcript NM_002294.3 (MANE Select); coding-DNA position 961, T replaced by C.
Protein change: p.Trp321Arg; replaces tryptophan 321 with arginine.
Molecular consequence: missense variant.
Genome position (GRCh38, 1-based): chrX:120,441,862, A>G on the plus strand (T>C on the coding strand, the complement: LAMP2 is on the minus strand). VCF-style: chrX-120441862-A-G. GRCh37 (hg19) VCF-style: chrX-119575717-A-G.
Other names: c.961T>C, p.Trp321Arg (NM_001122606.1, NM_013995.2); short protein forms W321R.
Identifiers: ClinVar variation 9983 (VCV000009983.8), dbSNP rs104894859, ClinGen allele CA120875.